The following is an entry in ClinVar:

NM_000135.4(FANCA):c.2042C>G (p.Ser681Cys)

Gene: FANCA (FA complementation group A; minus strand). Cytogenetic location: 16q24.3.
Variant type: single nucleotide variant.
Coding change: c.2042C>G on transcript NM_000135.4 (MANE Select); coding-DNA position 2042, C replaced by G.
Protein change: p.Ser681Cys; replaces serine 681 with cysteine.
Molecular consequence: missense variant.
Genome position (GRCh38, 1-based): chr16:89,771,787, G>C on the plus strand (C>G on the coding strand, the complement: FANCA is on the minus strand). VCF-style: chr16-89771787-G-C. GRCh37 (hg19) VCF-style: chr16-89838195-G-C.
Other names: c.2042C>G, p.Ser681Cys (NM_001286167.3); short protein forms S681C.
Identifiers: ClinVar variation 4870924 (VCV004870924.1).

ClinVar aggregate classification (germline): Uncertain significance (1 of 4 stars; one submission).

Conditions:
Inborn genetic diseases. Identifiers: MedGen C0950123, MeSH D030342.

Submission:

Ambry Genetics
Classification: Uncertain significance for Inborn genetic diseases. Last evaluated: 2026-06-13. Review status: criteria provided, single submitter. Criteria: Ambry Variant Classification Scheme 2023. Collection method: clinical testing. Allele origin: germline.
Comment: The p.S681C variant (also known as c.2042C>G), located in coding exon 23 of the FANCA gene, results from a C to G substitution at nucleotide position 2042. The serine at codon 681 is replaced by cysteine, an amino acid with dissimilar properties. This amino acid position is conserved. In addition, the in silico prediction for this alteration is inconclusive. Based on the available evidence, the clinical significance of this variant remains unclear.